The following is an entry in ClinVar:

ClinVar aggregate classification (germline): Likely pathogenic (1 of 4 stars; one submission).

Conditions:
Neurofibromatosis, type 1 (NF1). Also called: Neurofibromatosis, type I; VON RECKLINGHAUSEN DISEASE; NEUROFIBROMATOSIS, TYPE I, SOMATIC; Peripheral type neurofibromatosis. Identifiers: Orphanet 636, MedGen C0027831, MONDO:0018975, OMIM 162200. Disease mechanism: loss of function.

Submission:

Juno Genomics, Hangzhou Juno Genomics, Inc
Classification: Likely pathogenic for Neurofibromatosis, type 1. Review status: criteria provided, single submitter. Criteria: ACMG Guidelines, 2015. Collection method: clinical testing. Allele origin: germline. Affected: yes.
Comment: Absent from controls (or at extremely low frequency if recessive) in Genome Aggregation Database, Exome Sequencing Project, 1000 Genomes Project, or Exome Aggregation Consortium.;Null variant in a gene where loss of function (LOF) is a known mechanism of disease.

NM_001042492.3(NF1):c.6671_6672insT (p.Lys2224fs)

Gene: NF1 (neurofibromin 1; plus strand). Cytogenetic location: 17q11.2.
Variant type: Insertion.
Coding change: c.6671_6672insT on transcript NM_001042492.3 (MANE Select); coding-DNA positions 6671 to 6672, T inserted.
Protein change: p.Lys2224fs; shifts the reading frame from lysine 2224.
Molecular consequence: frameshift variant.
Genome position: GRCh38 VCF-style: chr17-31337847-A-AT. GRCh37 (hg19) VCF-style: chr17-29664865-A-AT.
Other names: c.6608_6609insT, p.Lys2203Asnfs (NM_000267.4); short protein forms K2203fs, K2224fs.
Identifiers: ClinVar variation 3382331 (VCV003382331.2).